The following is an entry in ClinVar:

ClinVar aggregate classification (germline): Uncertain significance. Review status: criteria provided, multiple submitters, no conflicts (2 of 4 stars). 2 submissions from 2 submitters: Uncertain significance (2). Last evaluated 2025-06-06.

Conditions:
Inborn genetic diseases. Identifiers: MedGen C0950123, MeSH D030342.

Allele frequency attached by ClinVar (database versions not stated): gnomAD exomes below 0.00001.
gnomAD v4.1: 6 of 1,531,314 alleles (0.00039%); highest among the groups gnomAD compares: Non-Finnish European, 0.00053%; no homozygotes.

Submissions (2):

Ambry Genetics
Classification: Uncertain significance for Inborn genetic diseases. Last evaluated: 2025-06-06. Review status: criteria provided, single submitter. Criteria: Ambry Variant Classification Scheme 2023. Collection method: clinical testing. Allele origin: germline.

Labcorp Genetics (formerly Invitae), Labcorp
Classification: Uncertain significance. Last evaluated: 2022-10-26. Review status: criteria provided, single submitter. Criteria: Invitae Variant Classification Sherloc (09022015). Collection method: clinical testing. Allele origin: germline.
Comment: This variant has not been reported in the literature in individuals affected with EYS-related conditions. Advanced modeling of protein sequence and biophysical properties (such as structural, functional, and spatial information, amino acid conservation, physicochemical variation, residue mobility, and thermodynamic stability) has been performed at Invitae for this missense variant, however the output from this modeling did not meet the statistical confidence thresholds required to predict the impact of this variant on EYS protein function. In summary, the available evidence is currently insufficient to determine the role of this variant in disease. Therefore, it has been classified as a Variant of Uncertain Significance. This variant is not present in population databases (gnomAD no frequency). This sequence change replaces threonine, which is neutral and polar, with isoleucine, which is neutral and non-polar, at codon 2035 of the EYS protein (p.Thr2035Ile).

NM_001142800.2(EYS):c.6104C>T (p.Thr2035Ile)

Gene: EYS (EGF-like photoreceptor maintenance factor; minus strand). Cytogenetic location: 6q12.
Variant type: single nucleotide variant.
Coding change: c.6104C>T on transcript NM_001142800.2 (MANE Select); coding-DNA position 6104, C replaced by T.
Protein change: p.Thr2035Ile; replaces threonine 2035 with isoleucine.
Molecular consequence: missense variant.
Genome position (GRCh38, 1-based): chr6:64,307,057, G>A on the plus strand (C>T on the coding strand, the complement: EYS is on the minus strand). VCF-style: chr6-64307057-G-A. GRCh37 (hg19) VCF-style: chr6-65016950-G-A.
Other names: c.6104C>T (NM_001142800.1); c.6104C>T, p.Thr2035Ile (NM_001292009.2); short protein forms T2035I.
Identifiers: ClinVar variation 2148524 (VCV002148524.5), dbSNP rs1769478067, ClinGen allele CA364391861.